The following is an entry in ClinVar:

ClinVar aggregate classification (germline): Benign/Likely benign. Review status: criteria provided, multiple submitters, no conflicts (2 of 4 stars). 4 submissions from 4 submitters: Benign (2); Likely benign (2). Last evaluated 2026-05-13.

Conditions:
Hereditary cancer-predisposing syndrome. Also called: Hereditary neoplastic syndrome; Neoplastic Syndromes, Hereditary; Hereditary Cancer Syndrome; Tumor predisposition. Identifiers: Orphanet 140162, MedGen C0027672, MeSH D009386, MONDO:0015356.
Cardiovascular phenotype. Identifiers: MedGen CN230736.
Neurofibromatosis, type 1 (NF1). Also called: Peripheral type neurofibromatosis; Neurofibromatosis, type I; VON RECKLINGHAUSEN DISEASE; NEUROFIBROMATOSIS, TYPE I, SOMATIC. Identifiers: Orphanet 636, MedGen C0027831, MONDO:0018975, OMIM 162200. Disease mechanism: loss of function.

Submissions (5):

Myriad Genetics, Inc.
Classification: Likely benign for Neurofibromatosis, type 1. Last evaluated: 2026-05-13. Review status: criteria provided, single submitter. Criteria: Myriad Autosomal Dominant, Autosomal Recessive and X-Linked Classification Criteria (2023). Collection method: clinical testing. Allele origin: unknown.
Comment: This variant is considered likely benign. This variant is intronic and is not expected to impact mRNA splicing.

Labcorp Genetics (formerly Invitae), Labcorp
Classification: Benign for Neurofibromatosis, type 1. Last evaluated: 2025-11-19. Review status: criteria provided, single submitter. Criteria: Invitae Variant Classification Sherloc (09022015). Collection method: clinical testing. Allele origin: germline.

Genome-Nilou Lab
Classification: Benign for Neurofibromatosis, type 1. Last evaluated: 2022-03-15. Review status: criteria provided, single submitter. Criteria: ACMG Guidelines, 2015. Collection method: clinical testing. Allele origin: germline. Affected: no.

Ambry Genetics
Classification: Likely benign for Cardiovascular phenotype; Hereditary cancer-predisposing syndrome. Last evaluated: 2017-07-17. Review status: criteria provided, single submitter. Criteria: Ambry Variant Classification Scheme 2023. Collection method: clinical testing. Allele origin: germline.

Dr. Peter K. Rogan Lab, Western University
No classification provided (evidence only). Condition: Clear cell carcinoma of kidney. Review status: no classification provided. Collection method: in vitro. Allele origin: not applicable. Functional consequence: retained intron. Not counted in ClinVar's aggregate classification.

NM_001042492.3(NF1):c.5813-5del

Gene: NF1 (neurofibromin 1; plus strand). Cytogenetic location: 17q11.2.
Variant type: Deletion.
Coding change: c.5813-5del on transcript NM_001042492.3 (MANE Select); 5 bases into the intron before coding-DNA position 5813, one base deleted (T; older notation c.5813-5delT).
Molecular consequence: intron variant.
Genome position (GRCh38, 1-based): chr17:31,334,833, T deleted; the last of 7 consecutive T bases (chr17:31,334,827-31,334,833); deleting any one gives the same sequence. VCF-style (leftmost placement, unchanged base first): chr17-31334826-AT-A. GRCh37 (hg19) VCF-style: chr17-29661844-AT-A.
Other names: NC_000017.10:g.29661851del; c.5750-5del (NM_000267.4); c.5750-5delT (NM_000267.3).
Identifiers: ClinVar variation 484010 (VCV000484010.15), dbSNP rs775451791, ClinGen allele CA625780821.